The following is an entry in ClinVar:

ClinVar aggregate classification (germline): Likely pathogenic (1 of 4 stars; one submission).

Conditions:
Malignant hyperthermia, susceptibility to, 5 (MHS5). Also called: CACNA1S-Related Malignant Hyperthermia Susceptibility. Identifiers: Orphanet 423, MedGen C1866077, MONDO:0011163, OMIM 601887.
Hypokalemic periodic paralysis, type 1. Also called: Hypokalemic Periodic Paralysis Type 1 (AD); HypoPP. Identifiers: Orphanet 681, MedGen C3714580, MONDO:0042979, OMIM 170400.

Submission:

Labcorp Genetics (formerly Invitae), Labcorp
Classification: Likely pathogenic for Hypokalemic periodic paralysis, type 1; Malignant hyperthermia, susceptibility to, 5. Last evaluated: 2019-10-01. Review status: criteria provided, single submitter. Criteria: Invitae Variant Classification Sherloc (09022015). Collection method: clinical testing. Allele origin: germline.
Comment: This sequence change affects an acceptor splice site in intron 42 of the CACNA1S gene. It is expected to disrupt RNA splicing and likely results in an absent or disrupted protein product. This variant is not present in population databases (ExAC no frequency). This variant has not been reported in the literature in individuals with CACNA1S-related conditions. Algorithms developed to predict the effect of sequence changes on RNA splicing suggest that this variant may disrupt the consensus splice site, but this prediction has not been confirmed by published transcriptional studies. Donor and acceptor splice site variants typically lead to a loss of protein function (PMID: 16199547), and loss-of-function variants in CACNA1S are known to be pathogenic (PMID: 26247046, 28012042). In summary, the currently available evidence indicates that the variant is pathogenic, but additional data are needed to prove that conclusively. Therefore, this variant has been classified as Likely Pathogenic.

Literature cited by the submitters: PubMed 16199547; PubMed 26247046; PubMed 28012042.

NM_000069.3(CACNA1S):c.5227-2del

Gene: CACNA1S (calcium voltage-gated channel subunit alpha1 S; minus strand). Cytogenetic location: 1q32.1.
Variant type: Deletion.
Coding change: c.5227-2del on transcript NM_000069.3 (MANE Select); the canonical splice acceptor site of the intron before coding-DNA position 5227, one base deleted (A; older notation c.5227-2delA).
Molecular consequence: splice acceptor variant.
Genome position (GRCh38, 1-based): chr1:201,040,376, T deleted on the plus strand (A on the coding strand, the reverse complement: CACNA1S is on the minus strand). VCF-style (leftmost placement, unchanged base first): chr1-201040375-CT-C. GRCh37 (hg19) VCF-style: chr1-201009503-CT-C.
Identifiers: ClinVar variation 966202 (VCV000966202.8), dbSNP rs1660108555, ClinGen allele CA1139656506.
Genomic context (GRCh38, chr1:201,040,375, plus strand): 5'-AAGAGACCCTGGTGTGGAGCTCTTTCTGTCCTCAGGCATGGAGGACTCCACCCTGGGGCA[CT>C]GTTCCAAAGGTACAAAAGCAAAGACCCCGACAGGGGTGCTGGAGCCCACCAATGAGCAAA-3'